The following is an entry in ClinVar:

ClinVar aggregate classification (germline): Uncertain significance. Review status: criteria provided, multiple submitters, no conflicts (2 of 4 stars). 2 submissions from 2 submitters: Uncertain significance (2). Last evaluated 2025-03-19.

Conditions:
Intellectual developmental disorder, autosomal dominant 39. Also called: Intellectual disability, autosomal dominant 39; Mental retardation, autosomal dominant 39. Identifiers: MedGen C4225296, MONDO:0014678, OMIM 616521.

Allele frequency attached by ClinVar (database versions not stated): ExAC 0.00001; gnomAD 0.00001; TOPMed 0.00002.
gnomAD v4.1: 4 of 1,613,830 alleles (0.00025%); highest among the groups gnomAD compares: African/African-American, 0.0013%; no homozygotes.

Submissions (2):

Women's Health and Genetics/Laboratory Corporation of America, LabCorp
Classification: Uncertain significance. Last evaluated: 2025-03-19. Review status: criteria provided, single submitter. Criteria: LabCorp Variant Classification Summary - May 2015. Collection method: clinical testing. Allele origin: germline.
Comment: Variant summary: MYT1L c.1423G>A (p.Gly475Arg) results in a non-conservative amino acid change in the encoded protein sequence. Three of five in-silico tools predict a damaging effect of the variant on protein function. The variant allele was found at a frequency of 4e-06 in 249290 control chromosomes. The available data on variant occurrences in the general population are insufficient to allow any conclusion about variant significance. To our knowledge, no occurrence of c.1423G>A in individuals affected with Mental Retardation, Autosomal Dominant 39 and no experimental evidence demonstrating its impact on protein function have been reported. ClinVar contains an entry for this variant (Variation ID: 2689521). Based on the evidence outlined above, the variant was classified as uncertain significance.

Revvity Omics, Revvity
Classification: Uncertain significance for Intellectual developmental disorder, autosomal dominant 39. Last evaluated: 2023-02-14. Review status: criteria provided, single submitter. Criteria: ACMG Guidelines, 2015. Collection method: clinical testing. Allele origin: germline.

NM_001303052.2(MYT1L):c.1423G>A (p.Gly475Arg)

Gene: MYT1L (myelin transcription factor 1 like; minus strand). Cytogenetic location: 2p25.3.
Variant type: single nucleotide variant.
Coding change: c.1423G>A on transcript NM_001303052.2 (MANE Select); coding-DNA position 1423, G replaced by A.
Protein change: p.Gly475Arg; replaces glycine 475 with arginine.
Molecular consequence: missense variant.
Genome position (GRCh38, 1-based): chr2:1,922,346, C>T on the plus strand (G>A on the coding strand, the complement: MYT1L is on the minus strand). VCF-style: chr2-1922346-C-T. GRCh37 (hg19) VCF-style: chr2-1926118-C-T.
Other names: c.1423G>A, p.Gly475Arg (NM_001329844.2, NM_001329845.1, NM_001329846.3 and 6 more transcripts); short protein forms G475R.
Identifiers: ClinVar variation 2689521 (VCV002689521.3), dbSNP rs747816343, ClinGen allele CA1514248.